The following is an entry in ClinVar:

NM_000245.4(MET):c.2103-7del

Gene: MET (MET proto-oncogene, receptor tyrosine kinase; plus strand). Cytogenetic location: 7q31.2.
Variant type: Deletion.
Coding change: c.2103-7del on transcript NM_000245.4 (MANE Select); 7 bases into the intron before coding-DNA position 2103, one base deleted (T; older notation c.2103-7delT).
Molecular consequence: intron variant.
Genome position (GRCh38, 1-based): chr7:116,758,452, T deleted; the last of 8 consecutive T bases (chr7:116,758,445-116,758,452); deleting any one gives the same sequence. VCF-style (leftmost placement, unchanged base first): chr7-116758444-AT-A. GRCh37 (hg19) VCF-style: chr7-116398498-AT-A.
Other names: c.2103-7del (NM_001127500.3, NM_001324401.3); c.813-7del (NM_001324402.2).
Identifiers: ClinVar variation 1599829 (VCV001599829.9), dbSNP rs761227260, ClinGen allele CA4448406.

ClinVar aggregate classification (germline): Benign/Likely benign. Review status: criteria provided, multiple submitters, no conflicts (2 of 4 stars). 2 submissions from 2 submitters: Benign (1); Likely benign (1). Last evaluated 2025-11-24.

Conditions:
Renal cell carcinoma. Identifiers: Orphanet 217071, MedGen C0007134, MeSH D002292, MONDO:0005086, HP:0005584.
Papillary renal cell carcinoma type 1 (RCCP1). Also called: RENAL CELL CARCINOMA, PAPILLARY, 1, SOMATIC; Renal adenocarcinoma; Renal cell carcinoma 1; Renal cell carcinoma, somatic. Identifiers: Orphanet 47044, MedGen C1336839, OMIM 605074, HP:0011797.

Submissions (2):

Labcorp Genetics (formerly Invitae), Labcorp
Classification: Benign for Renal cell carcinoma. Last evaluated: 2025-11-24. Review status: criteria provided, single submitter. Criteria: Invitae Variant Classification Sherloc (09022015). Collection method: clinical testing. Allele origin: germline.

Myriad Genetics, Inc.
Classification: Likely benign for Papillary renal cell carcinoma type 1. Last evaluated: 2024-11-08. Review status: criteria provided, single submitter. Criteria: Myriad Autosomal Dominant, Autosomal Recessive and X-Linked Classification Criteria (2023). Collection method: clinical testing. Allele origin: unknown.
Comment: This variant is considered likely benign. This variant is intronic and is not expected to impact mRNA splicing.